The following is an entry in ClinVar:

ClinVar aggregate classification (germline): Uncertain significance (1 of 4 stars; one submission).

Conditions:
Carney complex - trismus - pseudocamptodactyly syndrome. Identifiers: Orphanet 319340, MedGen C1837245, MONDO:0012137, OMIM 608837.

gnomAD v4.1: 6 of 1,614,126 alleles (0.00037%); highest among the groups gnomAD compares: South Asian, 0.0011%; no homozygotes.

Submission:

Centre for Mendelian Genomics, University Medical Centre Ljubljana
Classification: Uncertain significance for Carney complex - trismus - pseudocamptodactyly syndrome. Last evaluated: 2019-11-22. Review status: criteria provided, single submitter. Criteria: ACMG Guidelines, 2015. Collection method: clinical testing. Allele origin: unknown. Affected: yes.
Comment: This variant was classified as: Uncertain significance. The available evidence favors the pathogenic nature of this variant, however the currently available data is insufficient to conclusively support its pathogenic nature. Thus this variant is classified as Uncertain significance - favor pathogenic. The following ACMG criteria were applied in classifying this variant: PM2.

NM_002472.3(MYH8):c.4724T>C (p.Val1575Ala)

Genes: MYH8 (myosin heavy chain 8; minus strand), MYHAS (myosin heavy chain gene cluster antisense RNA; plus strand). Cytogenetic location: 17p13.1.
Variant type: single nucleotide variant.
Coding change: c.4724T>C on transcript NM_002472.3 (MANE Select); coding-DNA position 4724, T replaced by C.
Protein change: p.Val1575Ala; replaces valine 1575 with alanine.
Molecular consequence: missense variant.
Genome position (GRCh38, 1-based): chr17:10,395,371, A>G on the plus strand (T>C on the coding strand, the complement: MYH8 is on the minus strand). VCF-style: chr17-10395371-A-G. GRCh37 (hg19) VCF-style: chr17-10298688-A-G.
Other names: short protein forms V1575A.
Identifiers: ClinVar variation 931773 (VCV000931773.3), dbSNP rs61730805, ClinGen allele CA398096433.